The following is an entry in ClinVar:

ClinVar aggregate classification (germline): Uncertain significance (1 of 4 stars; one submission).

Conditions:
Cardiovascular phenotype. Identifiers: MedGen CN230736.

gnomAD v4.1: 2 of 1,613,966 alleles (0.00012%); highest among the groups gnomAD compares: Non-Finnish European, 0.00017%; no homozygotes.

Submission:

Ambry Genetics
Classification: Uncertain significance for Cardiovascular phenotype. Last evaluated: 2026-07-07. Review status: criteria provided, single submitter. Criteria: Ambry Variant Classification Scheme 2023. Collection method: clinical testing. Allele origin: germline.
Comment: The p.L601S variant (also known as c.1802T>C), located in coding exon 13 of the APOB gene, results from a T to C substitution at nucleotide position 1802. The leucine at codon 601 is replaced by serine, an amino acid with dissimilar properties. This amino acid position is conserved. In addition, the in silico prediction for this alteration is inconclusive. Based on the available evidence, the clinical significance of this variant remains unclear.

NM_000384.3(APOB):c.1802T>C (p.Leu601Ser)

Gene: APOB (apolipoprotein B; minus strand). Cytogenetic location: 2p24.1.
Variant type: single nucleotide variant.
Coding change: c.1802T>C on transcript NM_000384.3 (MANE Select); coding-DNA position 1802, T replaced by C.
Protein change: p.Leu601Ser; replaces leucine 601 with serine.
Molecular consequence: missense variant.
Genome position (GRCh38, 1-based): chr2:21,028,354, A>G on the plus strand (T>C on the coding strand, the complement: APOB is on the minus strand). VCF-style: chr2-21028354-A-G. GRCh37 (hg19) VCF-style: chr2-21251226-A-G.
Other names: short protein forms L601S.
Identifiers: ClinVar variation 5027585 (VCV005027585.1).
Genomic context (GRCh38, chr2:21,028,354, plus strand): 5'-CAGTGGTATATGGGGTGAATAGCTCTTACTTACTCTTGGATATCCAATTCTTCTGAGTTC[A>G]AGATATTGGCAATATGGGAAGCCACAAAGTTCTTCACTTGCTCATTCTGTTCCCATGGTA-3'
Protein context (NP_000375.3, residues 591-611): NFVASHIANI[Leu601Ser]NSEELDIQDL